The following is an entry in ClinVar:

NM_006648.4(WNK2):c.2197C>T (p.Pro733Ser)

Gene: WNK2 (WNK lysine deficient protein kinase 2; plus strand). Cytogenetic location: 9q22.31.
Variant type: single nucleotide variant.
Coding change: c.2197C>T on transcript NM_006648.4 (MANE Select); coding-DNA position 2197, C replaced by T.
Protein change: p.Pro733Ser; replaces proline 733 with serine.
Molecular consequence: missense variant.
Genome position (GRCh38, 1-based): chr9:93,256,954, C>T. VCF-style: chr9-93256954-C-T. GRCh37 (hg19) VCF-style: chr9-96019236-C-T.
Other names: c.2197C>T, p.Pro733Ser (NM_001282394.3); short protein forms P733S.
Identifiers: ClinVar variation 4201677 (VCV004201677.1).

ClinVar aggregate classification (germline): Uncertain significance (1 of 4 stars; one submission).

gnomAD v4.1: 3 of 1,564,764 alleles (0.00019%); highest among the groups gnomAD compares: African/African-American, 0.0041%; no homozygotes.

Submission:

Ambry Genetics
Classification: Uncertain significance. Last evaluated: 2025-07-28. Review status: criteria provided, single submitter. Criteria: Ambry Variant Classification Scheme 2023. Collection method: clinical testing. Allele origin: germline.
Comment: The p.P733S variant (also known as c.2197C>T), located in coding exon 10 of the WNK2 gene, results from a C to T substitution at nucleotide position 2197. The proline at codon 733 is replaced by serine, an amino acid with similar properties. This amino acid position is conserved. In addition, this alteration is predicted to be tolerated by in silico analysis. Based on the available evidence, the clinical significance of this variant remains unclear.